The following is an entry in ClinVar:

NM_002460.4(IRF4):c.604G>T (p.Gly202Cys)

Gene: IRF4 (interferon regulatory factor 4; plus strand). Cytogenetic location: 6p25.3.
Variant type: single nucleotide variant.
Coding change: c.604G>T on transcript NM_002460.4 (MANE Select); coding-DNA position 604, G replaced by T.
Protein change: p.Gly202Cys; replaces glycine 202 with cysteine.
Molecular consequence: missense variant. On other transcripts: non-coding transcript variant (1).
Genome position (GRCh38, 1-based): chr6:397,219, G>T. VCF-style: chr6-397219-G-T. GRCh37 (hg19) VCF-style: chr6-397219-G-T.
Other names: c.601G>T, p.Gly201Cys (NM_001195286.2); short protein forms G202C, G201C.
Identifiers: ClinVar variation 1432252 (VCV001432252.8), dbSNP rs143144957, ClinGen allele CA362547615.
Genomic context (GRCh38, chr6:397,219, plus strand): 5'-GTCCCGGATCAGCCACACCCGGAAATCCCGTACCAATGTCCCATGACGTTTGGACCCCGC[G>T]GCCACCACTGGCAAGGCCCAGCTTGTGAAAATGGTAAGGAGGATACCAGTGCAGGAAATA-3'
Protein context (NP_002451.2, residues 192-212): YQCPMTFGPR[Gly202Cys]HHWQGPACEN

ClinVar aggregate classification (germline): Uncertain significance (1 of 4 stars; one submission).

gnomAD v4.1: 2 of 1,614,260 alleles (0.00012%); highest among the groups gnomAD compares: Non-Finnish European, 0.000085%; no homozygotes.

Submission:

Labcorp Genetics (formerly Invitae), Labcorp
Classification: Uncertain significance. Last evaluated: 2022-09-07. Review status: criteria provided, single submitter. Criteria: Invitae Variant Classification Sherloc (09022015). Collection method: clinical testing. Allele origin: germline.
Comment: In summary, the available evidence is currently insufficient to determine the role of this variant in disease. Therefore, it has been classified as a Variant of Uncertain Significance. Algorithms developed to predict the effect of missense changes on protein structure and function (SIFT, PolyPhen-2, Align-GVGD) all suggest that this variant is likely to be disruptive. ClinVar contains an entry for this variant (Variation ID: 1432252). This variant has not been reported in the literature in individuals affected with IRF4-related conditions. This variant is not present in population databases (gnomAD no frequency). This sequence change replaces glycine, which is neutral and non-polar, with cysteine, which is neutral and slightly polar, at codon 202 of the IRF4 protein (p.Gly202Cys).